The following is an entry in ClinVar:

ClinVar aggregate classification (germline): Uncertain significance. Review status: criteria provided, multiple submitters, no conflicts (2 of 4 stars). 2 submissions from 2 submitters: Uncertain significance (2). Last evaluated 2025-10-16.

Conditions:
Hereditary cancer-predisposing syndrome. Also called: Tumor predisposition; Hereditary Cancer Syndrome; Neoplastic Syndromes, Hereditary; Hereditary neoplastic syndrome. Identifiers: Orphanet 140162, MedGen C0027672, MeSH D009386, MONDO:0015356.
Neuroblastoma, susceptibility to, 3. Also called: ALK-Related Neuroblastic Tumor Susceptibility. Identifiers: Orphanet 635, MedGen C2751681, MONDO:0013083, OMIM 613014.

Allele frequency attached by ClinVar (database versions not stated): TOPMed below 0.00001.

Submissions (2):

Ambry Genetics
Classification: Uncertain significance for Hereditary cancer-predisposing syndrome. Last evaluated: 2025-10-16. Review status: criteria provided, single submitter. Criteria: Ambry Variant Classification Scheme 2023. Collection method: clinical testing. Allele origin: germline.
Comment: The p.F1376Y variant (also known as c.4127T>A), located in coding exon 28 of the ALK gene, results from a T to A substitution at nucleotide position 4127. The phenylalanine at codon 1376 is replaced by tyrosine, an amino acid with highly similar properties. This amino acid position is conserved. In addition, this alteration is predicted to be deleterious by in silico analysis. Based on the available evidence, the clinical significance of this variant remains unclear.

Labcorp Genetics (formerly Invitae), Labcorp
Classification: Uncertain significance for Neuroblastoma, susceptibility to, 3. Last evaluated: 2022-03-16. Review status: criteria provided, single submitter. Criteria: Invitae Variant Classification Sherloc (09022015). Collection method: clinical testing. Allele origin: germline.
Comment: Algorithms developed to predict the effect of missense changes on protein structure and function are either unavailable or do not agree on the potential impact of this missense change (SIFT: "Deleterious"; PolyPhen-2: "Probably Damaging"; Align-GVGD: "Class C0"). In summary, the available evidence is currently insufficient to determine the role of this variant in disease. Therefore, it has been classified as a Variant of Uncertain Significance. ClinVar contains an entry for this variant (Variation ID: 1011171). This variant has not been reported in the literature in individuals affected with ALK-related conditions. This variant is not present in population databases (gnomAD no frequency). This sequence change replaces phenylalanine, which is neutral and non-polar, with tyrosine, which is neutral and polar, at codon 1376 of the ALK protein (p.Phe1376Tyr).

NM_004304.5(ALK):c.4127T>A (p.Phe1376Tyr)

Gene: ALK (ALK receptor tyrosine kinase; minus strand). Cytogenetic location: 2p23.2.
Variant type: single nucleotide variant.
Coding change: c.4127T>A on transcript NM_004304.5 (MANE Select); coding-DNA position 4127, T replaced by A.
Protein change: p.Phe1376Tyr; replaces phenylalanine 1376 with tyrosine.
Molecular consequence: missense variant.
Genome position (GRCh38, 1-based): chr2:29,196,807, A>T on the plus strand (T>A on the coding strand, the complement: ALK is on the minus strand). VCF-style: chr2-29196807-A-T. GRCh37 (hg19) VCF-style: chr2-29419673-A-T.
Other names: c.923T>A, p.Phe308Tyr (NM_001353765.2); c.4127T>A (NM_004304.4); short protein forms F1376Y, F308Y.
Identifiers: ClinVar variation 1011171 (VCV001011171.9), dbSNP rs17694720, ClinGen allele CA346465035.